The following is an entry in ClinVar:

ClinVar aggregate classification (germline): Uncertain significance. Review status: criteria provided, multiple submitters, no conflicts (2 of 4 stars). 3 submissions from 3 submitters: Uncertain significance (3). Last evaluated 2025-09-01.

Conditions:
Cranioectodermal dysplasia 3 (CED3). Identifiers: Orphanet 1515, MedGen C3279807, MONDO:0013573, OMIM 614099.
Short-rib thoracic dysplasia 18 with polydactyly. Identifiers: MedGen C4693420, MONDO:0036483, OMIM 617866.
Retinitis pigmentosa 81 (RP81). Identifiers: MedGen C4693443, MONDO:0036482, OMIM 617871.

Allele frequency attached by ClinVar (database versions not stated): ExAC 0.00002; gnomAD exomes 0.00002; gnomAD 0.00005; TOPMed 0.00005; ESP Exome Variant Server 0.00008.

Submissions (3):

Ambry Genetics
Classification: Uncertain significance. Last evaluated: 2025-09-01. Review status: criteria provided, single submitter. Criteria: Ambry Variant Classification Scheme 2023. Collection method: clinical testing. Allele origin: germline.

Labcorp Genetics (formerly Invitae), Labcorp
Classification: Uncertain significance. Last evaluated: 2025-01-15. Review status: criteria provided, single submitter. Criteria: Invitae Variant Classification Sherloc (09022015). Collection method: clinical testing. Allele origin: germline.
Comment: This sequence change replaces arginine, which is basic and polar, with cysteine, which is neutral and slightly polar, at codon 138 of the IFT43 protein (p.Arg138Cys). This variant is present in population databases (rs372547166, gnomAD 0.005%). This variant has not been reported in the literature in individuals affected with IFT43-related conditions. ClinVar contains an entry for this variant (Variation ID: 1047308). An algorithm developed to predict the effect of missense changes on protein structure and function (PolyPhen-2) suggests that this variant is likely to be disruptive. In summary, the available evidence is currently insufficient to determine the role of this variant in disease. Therefore, it has been classified as a Variant of Uncertain Significance.

Fulgent Genetics
Classification: Uncertain significance for Cranioectodermal dysplasia 3; Short-rib thoracic dysplasia 18 with polydactyly; Retinitis pigmentosa 81. Last evaluated: 2024-03-04. Review status: criteria provided, single submitter. Criteria: ACMG Guidelines, 2015. Collection method: clinical testing. Allele origin: germline.

NM_001102564.3(IFT43):c.397C>T (p.Arg133Cys)

Gene: IFT43 (intraflagellar transport 43; plus strand). Cytogenetic location: 14q24.3.
Variant type: single nucleotide variant.
Coding change: c.397C>T on transcript NM_001102564.3 (MANE Select); coding-DNA position 397, C replaced by T.
Protein change: p.Arg133Cys; replaces arginine 133 with cysteine.
Molecular consequence: missense variant. On other transcripts: non-coding transcript variant (2).
Genome position (GRCh38, 1-based): chr14:76,082,645, C>T. VCF-style: chr14-76082645-C-T. GRCh37 (hg19) VCF-style: chr14-76548988-C-T.
Other names: c.412C>T (NM_052873.2); c.412C>T, p.Arg138Cys (NM_052873.3); short protein forms R138C, R133C.
Identifiers: ClinVar variation 1047308 (VCV001047308.8), dbSNP rs372547166, ClinGen allele CA7280881.